The following is an entry in ClinVar:

ClinVar aggregate classification (germline): Likely pathogenic (1 of 4 stars; one submission).

Conditions:
Isovaleryl-CoA dehydrogenase deficiency (IVA). Also called: ISOVALERIC ACID CoA DEHYDROGENASE DEFICIENCY; Isovaleric acidemia; Classic Isovaleric Acidemia; IVD DEFICIENCY. Identifiers: Orphanet 33, MedGen C0268575, MONDO:0009475, OMIM 243500.

Submission:

Labcorp Genetics (formerly Invitae), Labcorp
Classification: Likely pathogenic for Isovaleryl-CoA dehydrogenase deficiency. Last evaluated: 2023-05-22. Review status: criteria provided, single submitter. Criteria: Invitae Variant Classification Sherloc (09022015). Collection method: clinical testing. Allele origin: germline.
Comment: In summary, the currently available evidence indicates that the variant is pathogenic, but additional data are needed to prove that conclusively. Therefore, this variant has been classified as Likely Pathogenic. An algorithm developed to predict the effect of missense changes on protein structure and function (PolyPhen-2) suggests that this variant is likely to be disruptive. ClinVar contains an entry for this variant (Variation ID: 863599). This missense change has been observed in individual(s) with clinical features of isovaleric acidemia (Invitae). In at least one individual the data is consistent with being in trans (on the opposite chromosome) from a pathogenic variant. This variant is not present in population databases (gnomAD no frequency). This sequence change replaces glutamine, which is neutral and polar, with glutamic acid, which is acidic and polar, at codon 326 of the IVD protein (p.Gln326Glu).

NM_002225.5(IVD):c.967C>G (p.Gln323Glu)

Gene: IVD (isovaleryl-CoA dehydrogenase; plus strand). Cytogenetic location: 15q15.1.
Variant type: single nucleotide variant.
Coding change: c.967C>G on transcript NM_002225.5 (MANE Select); coding-DNA position 967, C replaced by G.
Protein change: p.Gln323Glu; replaces glutamine 323 with glutamic acid.
Molecular consequence: missense variant. On other transcripts: non-coding transcript variant (1).
Genome position (GRCh38, 1-based): chr15:40,416,084, C>G. VCF-style: chr15-40416084-C-G. GRCh37 (hg19) VCF-style: chr15-40708283-C-G.
Other names: c.877C>G, p.Gln293Glu (NM_001159508.3); c.919C>G, p.Gln307Glu (NM_001354597.3); c.967C>G, p.Gln323Glu (NM_001354598.3, NM_001354601.3); c.1054C>G, p.Gln352Glu (NM_001354599.3, NM_001354600.3); short protein forms Q323E, Q307E, Q352E, Q293E.
Identifiers: ClinVar variation 863599 (VCV000863599.9), dbSNP rs1891639284, ClinGen allele CA391722683.